The following is an entry in ClinVar:

ClinVar aggregate classification (germline): Likely benign (0 of 4 stars; one submission).

Conditions:
NRP1-related disorder. Also called: NRP1-related condition.

Allele frequency attached by ClinVar (database versions not stated): gnomAD exomes 0.00008; ExAC 0.00009; gnomAD 0.00010; TOPMed 0.00011.
gnomAD v4.1: 135 of 1,614,058 alleles (0.0084%); highest among the groups gnomAD compares: Admixed American, 0.017%; no homozygotes.

Submission:

PreventionGenetics, part of Exact Sciences
Classification: Likely benign for NRP1-related condition. Last evaluated: 2019-09-17. Review status: no assertion criteria provided. Collection method: clinical testing. Allele origin: germline.
Comment: This variant is classified as likely benign based on ACMG/AMP sequence variant interpretation guidelines (Richards et al. 2015 PMID: 25741868, with internal and published modifications).

NM_003873.7(NRP1):c.687A>G (p.Gly229=)

Gene: NRP1 (neuropilin 1; minus strand). Cytogenetic location: 10p11.22.
Variant type: single nucleotide variant.
Coding change: c.687A>G on transcript NM_003873.7 (MANE Select); coding-DNA position 687, A replaced by G.
Protein change: p.Gly229=; no amino-acid change (glycine 229 retained).
Molecular consequence: synonymous variant. On other transcripts: non-coding transcript variant (1).
Genome position (GRCh38, 1-based): chr10:33,256,443, T>C on the plus strand (A>G on the coding strand, the complement: NRP1 is on the minus strand). VCF-style: chr10-33256443-T-C. GRCh37 (hg19) VCF-style: chr10-33545371-T-C.
Other names: c.687A>G, p.Gly229= (NM_001024628.3, NM_001024629.3, NM_001244972.2 and 2 more transcripts).
Identifiers: ClinVar variation 3040774 (VCV003040774.2), dbSNP rs761975790, ClinGen allele CA5466888.
Genomic context (GRCh38, chr10:33,256,443, plus strand): 5'-GGTGTAAAAAACCATGGAGAGAATGCCCGATGAGGATCGGATTCGACCTGGTGTTTTCTG[T>C]CCACAGTAACGCCCAATGTGAGGGCCAACTGGAAAGGGAGGAATACAGACGATGTCAAAA-3'
Protein context (NP_003864.5, residues 219-239): DVGPHIGRYC[Gly229=]QKTPGRIRSS